The following is an entry in ClinVar:

NM_001374828.1(ARID1B):c.630G>A (p.Gln210=)

Genes: ARID1B (AT-rich interaction domain 1B; plus strand), LOC115308161 (uncharacterized LOC115308161; minus strand). Cytogenetic location: 6q25.3.
Variant type: single nucleotide variant.
Coding change: c.630G>A on transcript NM_001374828.1 (MANE Select); coding-DNA position 630, G replaced by A.
Protein change: p.Gln210=; no amino-acid change (glutamine 210 retained).
Molecular consequence: synonymous variant. On other transcripts: non-coding transcript variant (1).
Genome position (GRCh38, 1-based): chr6:156,778,310, G>A. VCF-style: chr6-156778310-G-A. GRCh37 (hg19) VCF-style: chr6-157099444-G-A.
Other names: c.381G>A, p.Gln127= (NM_001346813.1, NM_020732.3); c.630G>A, p.Gln210= (NM_001371656.1, NM_001374820.1, NM_017519.3); c.207G>A, p.Gln69= (NM_175863.2).
Identifiers: ClinVar variation 2162426 (VCV002162426.18), dbSNP rs777300641, ClinGen allele CA452988989.
Genomic context (GRCh38, chr6:156,778,310, plus strand): 5'-GCAGCAGCTAAACCAGTTCCAGCAGCAGCAGCAGCAGCAGCAACAGCAGCAGCAGCAGCA[G>A]CAGCAACAGCAACATCCCATTTCCAACAACAACAGCTTGGGCGGCGCGGGCGGCGGCGCG-3'
Protein context (NP_001361757.1, residues 200-220): QQQQQQQQQQ[Gln210=]QQQQHPISNN

ClinVar aggregate classification (germline): Likely benign. Review status: criteria provided, multiple submitters, no conflicts (2 of 4 stars). 2 submissions from 2 submitters: Likely benign (2). Last evaluated 2025-05-27.

gnomAD v4.1: 1 of 1,545,266 alleles (0.000065%); highest among the groups gnomAD compares: Non-Finnish European, 0.000087%; no homozygotes.

Submissions (2):

Labcorp Genetics (formerly Invitae), Labcorp
Classification: Likely benign. Last evaluated: 2025-05-27. Review status: criteria provided, single submitter. Criteria: Invitae Variant Classification Sherloc (09022015). Collection method: clinical testing. Allele origin: germline.

CeGaT Center for Human Genetics Tuebingen
Classification: Likely benign. Last evaluated: 2024-11-01. Review status: criteria provided, single submitter. Criteria: CeGaT Center For Human Genetics Tuebingen Variant Classification Criteria Version 2. Collection method: clinical testing. Allele origin: germline. Affected: yes. Observed: 1 variant allele.
Comment: ARID1B: BP4, BP7